The following is an entry in ClinVar:

NM_024675.4(PALB2):c.3475del (p.Trp1159fs)

Gene: PALB2 (partner and localizer of BRCA2; minus strand). Cytogenetic location: 16p12.2.
Variant type: Deletion.
Coding change: c.3475del on transcript NM_024675.4 (MANE Select); coding-DNA position 3475, one base deleted (T; older notation c.3475delT).
Protein change: p.Trp1159fs; shifts the reading frame from tryptophan 1159.
Molecular consequence: frameshift variant.
Genome position (GRCh38, 1-based): chr16:23,603,545, A deleted on the plus strand (T on the coding strand, the reverse complement: PALB2 is on the minus strand); the first of 2 consecutive A bases (chr16:23,603,545-23,603,546); deleting either gives the same sequence. VCF-style (leftmost placement, unchanged base first): chr16-23603544-CA-C. GRCh37 (hg19) VCF-style: chr16-23614865-CA-C.
Other names: short protein forms W1159fs.
Identifiers: ClinVar variation 1455553 (VCV001455553.7), dbSNP rs2142252950, ClinGen allele CA2573152149.

ClinVar aggregate classification (germline): Pathogenic (1 of 4 stars; one submission).

Conditions:
Familial cancer of breast. Also called: Hereditary breast cancer; hereditary breast carcinoma; BREAST CANCER, FAMILIAL. Identifiers: Orphanet 227535, MedGen C0346153, MONDO:0016419, OMIM 114480. Disease mechanism: loss of function.

Submission:

Labcorp Genetics (formerly Invitae), Labcorp
Classification: Pathogenic for Familial cancer of breast. Last evaluated: 2022-05-30. Review status: criteria provided, single submitter. Criteria: Invitae Variant Classification Sherloc (09022015). Collection method: clinical testing. Allele origin: germline.
Comment: ClinVar contains an entry for this variant (Variation ID: 1455553). This sequence change creates a premature translational stop signal (p.Trp1159Glyfs*4) in the PALB2 gene. While this is not anticipated to result in nonsense mediated decay, it is expected to disrupt the last 28 amino acid(s) of the PALB2 protein. This variant is not present in population databases (gnomAD no frequency). This variant has not been reported in the literature in individuals affected with PALB2-related conditions. This variant disrupts a region of the PALB2 protein in which other variant(s) (p.Tyr1183* ) have been determined to be pathogenic (PMID: 17200671, 20927582, 21165770, 21365267, 26283626, 26296701). This suggests that this is a clinically significant region of the protein, and that variants that disrupt it are likely to be disease-causing. For these reasons, this variant has been classified as Pathogenic.

Literature cited by the submitters: PubMed 17200671; PubMed 20927582; PubMed 21165770; PubMed 21365267; PubMed 26283626; PubMed 26296701.